The following is an entry in ClinVar:

NM_001077350.3(NPRL3):c.376del (p.Val126fs)

Genes: HBA-LCR (alpha-globin locus control region; plus strand), NPRL3 (NPR3 like, GATOR1 complex subunit; minus strand). Cytogenetic location: 16p13.3.
Variant type: Deletion.
Coding change: c.376del on transcript NM_001077350.3 (MANE Select); coding-DNA position 376, one base deleted (G; older notation c.376delG).
Protein change: p.Val126fs; shifts the reading frame from valine 126.
Molecular consequence: frameshift variant. On other transcripts: intron variant (3).
Genome position (GRCh38, 1-based): chr16:117,318, C deleted on the plus strand (G on the coding strand, the reverse complement: NPRL3 is on the minus strand). VCF-style (leftmost placement, unchanged base first): chr16-117317-AC-A. GRCh37 (hg19) VCF-style: chr16-167316-AC-A.
Other names: c.142del, p.Val48fs (NM_001243247.2); c.318+1808del (NM_001243248.2, NM_001243249.2); c.-144-4543del (NM_001039476.3); short protein forms V126fs, V48fs.
Identifiers: ClinVar variation 4531517 (VCV004531517.2).
Genomic context (GRCh38, chr16:117,317, plus strand): 5'-ACTGGCCCCACTCCCTGATCTTAACCATTTATATAAACACTCACCCTCAGTGCAAACACC[AC>A]ATTAAAAAGAATCATAGTAGGTGCTTCCCTCTTCGGGGAAGGATCTGTTTTGGAGATCTG-3'

ClinVar aggregate classification (germline): Pathogenic/Likely pathogenic. Review status: criteria provided, multiple submitters, no conflicts (2 of 4 stars). 2 submissions from 2 submitters: Pathogenic (1); Likely pathogenic (1). Last evaluated 2025-01-21.

Conditions:
Epilepsy, familial focal, with variable foci 3 (FFEVF3). Identifiers: MedGen C4310708, MONDO:0014925, OMIM 617118.
NPRL3-related disorder. Also called: NPRL3-related condition.

Submissions (2):

Victorian Clinical Genetics Services, Murdoch Childrens Research Institute
Classification: Pathogenic for Epilepsy, familial focal, with variable foci 3. Last evaluated: 2025-01-21. Review status: criteria provided, single submitter. Criteria: ACMG Guidelines, 2015. Collection method: clinical testing. Allele origin: germline. Affected: yes.
Comment: This variant is classified as Pathogenic. Evidence in support of pathogenic classification: Variant is predicted to cause nonsense-mediated decay (NMD) and loss of protein (premature termination codon is located at least 54 nucleotides upstream of the final exon-exon junction); Variant is absent from gnomAD (v2, v3 and v4); Other NMD-predicted variant(s) comparable to the one identified in this case have very strong previous evidence for pathogenicity (DECIPHER). Additional information: This variant is heterozygous; This gene is associated with autosomal dominant disease; This variant has no previous evidence of pathogenicity; No published segregation evidence has been identified for this variant; No published functional evidence has been identified for this variant; Loss of function is a known mechanism of disease in this gene and is associated with familial focal epilepsy with variable foci 3 (MIM#617118); The condition associated with this gene has incomplete penetrance (OMIM, PMID: 26505888); Inheritance information for this variant is not currently available in this individual.

Blueprint Genetics
Classification: Likely pathogenic for NPRL3-related disorders. Last evaluated: 2024-04-24. Review status: criteria provided, single submitter. Criteria: ACMG Guidelines, 2015. Collection method: clinical testing. Allele origin: germline. Affected: yes. Observed: 2 variant alleles.

Literature cited by the submitters: PubMed 26505888 (cited by Victorian Clinical Genetics Services, Murdoch Childrens Research Institute).